The following is an entry in ClinVar:

ClinVar aggregate classification (germline): Likely pathogenic (1 of 4 stars; one submission).

Conditions:
Early-infantile DEE. Also called: Ohtahara syndrome; Early infantile epileptic encephalopathy with suppression bursts; Early infantile epileptic encephalopathy. Identifiers: Orphanet 1934, MedGen C0393706, MONDO:0800491.

Submission:

Labcorp Genetics (formerly Invitae), Labcorp
Classification: Likely pathogenic for Early-infantile DEE. Last evaluated: 2021-03-24. Review status: criteria provided, single submitter. Criteria: Invitae Variant Classification Sherloc (09022015). Collection method: clinical testing. Allele origin: germline.
Comment: This variant is not present in population databases (ExAC no frequency). This sequence change replaces threonine with serine at codon 1658 of the SCN1A protein (p.Thr1658Ser). The threonine residue is highly conserved and there is a small physicochemical difference between threonine and serine. This variant has not been reported in the literature in individuals with SCN1A-related conditions. Advanced modeling of protein sequence and biophysical properties (such as structural, functional, and spatial information, amino acid conservation, physicochemical variation, residue mobility, and thermodynamic stability) performed at Invitae indicates that this missense variant is expected to disrupt SCN1A protein function. This variant disrupts the p.Thr1658 amino acid residue in SCN1A. Other variant(s) that disrupt this residue have been determined to be pathogenic (PMID: 18930999, 20522430, Invitae). This suggests that this residue is clinically significant, and that variants that disrupt this residue are likely to be disease-causing. In summary, the currently available evidence indicates that the variant is pathogenic, but additional data are needed to prove that conclusively. Therefore, this variant has been classified as Likely Pathogenic.

Literature cited by the submitters: PubMed 18930999; PubMed 20522430.

NM_001165963.4(SCN1A):c.4972A>T (p.Thr1658Ser)

Genes: SCN1A (sodium voltage-gated channel alpha subunit 1; minus strand), LOC102724058 (uncharacterized LOC102724058; plus strand). Cytogenetic location: 2q24.3.
Variant type: single nucleotide variant.
Coding change: c.4972A>T on transcript NM_001165963.4 (MANE Select); coding-DNA position 4972, A replaced by T.
Protein change: p.Thr1658Ser; replaces threonine 1658 with serine.
Molecular consequence: missense variant. On other transcripts: non-coding transcript variant (1).
Genome position (GRCh38, 1-based): chr2:165,992,303, T>A on the plus strand (A>T on the coding strand, the complement: SCN1A is on the minus strand). VCF-style: chr2-165992303-T-A. GRCh37 (hg19) VCF-style: chr2-166848813-T-A.
Other names: c.4888A>T, p.Thr1630Ser (NM_001165964.3, NM_001353957.2, NM_001353958.2); c.4972A>T, p.Thr1658Ser (NM_001202435.3, NM_001353948.2); c.4939A>T, p.Thr1647Ser (NM_001353949.2, NM_001353950.2, NM_001353951.2 and 2 more transcripts); c.4936A>T, p.Thr1646Ser (NM_001353954.2, NM_001353955.2); c.4885A>T, p.Thr1629Ser (NM_001353960.2); c.2530A>T, p.Thr844Ser (NM_001353961.2); short protein forms T1629S, T1630S, T1646S, T1647S, T1658S, T844S.
Identifiers: ClinVar variation 1474062 (VCV001474062.9), dbSNP rs1064794766, ClinGen allele CA349069931.